The following is an entry in ClinVar:

ClinVar aggregate classification (germline): Pathogenic (1 of 4 stars; one submission).

Conditions:
Hereditary diffuse gastric adenocarcinoma (HDGC). Also called: DIFFUSE GASTRIC AND LOBULAR BREAST CANCER SYNDROME. Identifiers: Orphanet 26106, MedGen C1708349, MONDO:0007648, OMIM 137215.

Submission:

Labcorp Genetics (formerly Invitae), Labcorp
Classification: Pathogenic for Hereditary diffuse gastric adenocarcinoma. Last evaluated: 2016-07-02. Review status: criteria provided, single submitter. Criteria: Invitae Variant Classification Sherloc (09022015). Collection method: clinical testing. Allele origin: germline.
Comment: This variant is a gross deletion of the genomic region encompassing exon 3 of the CDH1 gene. This creates a premature translational stop signal and is expected to result in an absent or disrupted protein product. Loss-of-function variants in CDH1 are known to be pathogenic. A deletion of exon 3 has been reported in the literature in a family with gastric cancer (PMID: 21777349). Experimental studies have shown that this exon deletion impairs the cell-cell adhesion function of CDH1 (PMID: 21777349). For these reasons, this variant has been classified as Pathogenic.

NC_000016.10:g.(?_68801670)_(68801893_?)del

Gene: CDH1 (cadherin 1; plus strand). Cytogenetic location: 16q22.1.
Variant type: Deletion.
Identifiers: ClinVar variation 417391 (VCV000417391.1).